The following is an entry in ClinVar:

ClinVar aggregate classification (germline): Uncertain significance. Review status: criteria provided, multiple submitters, no conflicts (2 of 4 stars). 4 submissions from 4 submitters: Uncertain significance (3). 1 of the submissions does not count toward it. Last evaluated 2026-01-06.

Conditions:
MRTFA-related disorder. Also called: MRTFA-related condition.

Allele frequency attached by ClinVar (database versions not stated): ExAC 0.00004.
gnomAD v4.1: 52 of 1,587,022 alleles (0.0033%); highest among the groups gnomAD compares: East Asian, 0.0093%; no homozygotes.

Submissions (4):

Labcorp Genetics (formerly Invitae), Labcorp
Classification: Uncertain significance. Last evaluated: 2026-01-06. Review status: criteria provided, single submitter. Criteria: Invitae Variant Classification Sherloc (09022015). Collection method: clinical testing. Allele origin: germline.
Comment: This sequence change replaces valine, which is neutral and non-polar, with leucine, which is neutral and non-polar, at codon 433 of the MKL1 protein (p.Val433Leu). This variant is present in population databases (rs758579932, gnomAD 0.007%). This variant has not been reported in the literature in individuals affected with MKL1-related conditions. ClinVar contains an entry for this variant (Variation ID: 1683071). An algorithm developed to predict the effect of missense changes on protein structure and function (PolyPhen-2) suggests that this variant is likely to be disruptive. In summary, the available evidence is currently insufficient to determine the role of this variant in disease. Therefore, it has been classified as a Variant of Uncertain Significance.

Ambry Genetics
Classification: Uncertain significance. Last evaluated: 2025-05-26. Review status: criteria provided, single submitter. Criteria: Ambry Variant Classification Scheme 2023. Collection method: clinical testing. Allele origin: germline.

Blueprint Genetics
Classification: Uncertain significance. Last evaluated: 2023-09-12. Review status: criteria provided, single submitter. Criteria: ACMG Guidelines, 2015. Collection method: clinical testing. Allele origin: germline.

PreventionGenetics, part of Exact Sciences
Classification: Uncertain significance for MRTFA-related condition. Last evaluated: 2024-07-18. Review status: no assertion criteria provided. Collection method: clinical testing. Allele origin: germline. Not counted in ClinVar's aggregate classification.
Comment: The MRTFA c.1297G>C variant is predicted to result in the amino acid substitution p.Val433Leu. To our knowledge, this variant has not been reported in the literature. This variant is reported in 0.0062% of alleles in individuals of East Asian descent in gnomAD. At this time, the clinical significance of this variant is uncertain due to the absence of conclusive functional and genetic evidence.

NM_020831.6(MRTFA):c.1597G>C (p.Val533Leu)

Gene: MRTFA (myocardin related transcription factor A; minus strand). Cytogenetic location: 22q13.1.
Variant type: single nucleotide variant.
Coding change: c.1597G>C on transcript NM_020831.6 (MANE Select); coding-DNA position 1597, G replaced by C.
Protein change: p.Val533Leu; replaces valine 533 with leucine.
Molecular consequence: missense variant.
Genome position (GRCh38, 1-based): chr22:40,419,141, C>G on the plus strand (G>C on the coding strand, the complement: MRTFA is on the minus strand). VCF-style: chr22-40419141-C-G. GRCh37 (hg19) VCF-style: chr22-40815145-C-G.
Other names: c.1297G>C, p.Val433Leu (NM_001282660.2); c.1447G>C, p.Val483Leu (NM_001282661.3); c.1597G>C, p.Val533Leu (NM_001282662.3); c.1402G>C, p.Val468Leu (NM_001318139.2); c.1297G>C (NM_020831.4, NM_020831.3); short protein forms V433L, V468L, V483L, V533L.
Identifiers: ClinVar variation 1683071 (VCV001683071.9), dbSNP rs758579932, ClinGen allele CA10249635.
Genomic context (GRCh38, chr22:40,419,141, plus strand): 5'-CGGGGGGCGTGGAGCCCGTGCTGCCAAACTTCACCACCCCACTGCTGGCCACCGTGGCCA[C>G]CACCACCTCAGCTGGAGCCAGGCCTGCTGCCACCAGGGCTGGCCCCGTGCTCAGCCGGGC-3'
Protein context (NP_065882.2, residues 523-543): AAGLAPAEVV[Val533Leu]ATVASSGVVK